The following is an entry in ClinVar:

NM_001497.4(B4GALT1):c.96G>A (p.Leu32=)

Genes: B4GALT1 (beta-1,4-galactosyltransferase 1; minus strand), B4GALT1-AS1 (B4GALT1 antisense RNA 1; plus strand). Cytogenetic location: 9p21.1.
Variant type: single nucleotide variant.
Coding change: c.96G>A on transcript NM_001497.4 (MANE Select); coding-DNA position 96, G replaced by A.
Protein change: p.Leu32=; no amino-acid change (leucine 32 retained).
Molecular consequence: synonymous variant.
Genome position (GRCh38, 1-based): chr9:33,167,074, C>T on the plus strand (G>A on the coding strand, the complement: B4GALT1 is on the minus strand). VCF-style: chr9-33167074-C-T. GRCh37 (hg19) VCF-style: chr9-33167072-C-T.
Other names: c.57G>A, p.Leu19= (NM_001378495.1); c.96G>A, p.Leu32= (NM_001378496.1, NM_001378497.1); c.96G>A (NM_001497.3).
Identifiers: ClinVar variation 1593819 (VCV001593819.10), dbSNP rs769719479, ClinGen allele CA5023842.

ClinVar aggregate classification (germline): Likely benign. Review status: criteria provided, single submitter (1 of 4 stars). 2 submissions from 2 submitters: Likely benign (1). 1 of the submissions does not count toward it. Last evaluated 2022-06-20.

Conditions:
B4GALT1-related disorder. Also called: B4GALT1-related condition.

Allele frequency attached by ClinVar (database versions not stated): TOPMed 0.00001; ExAC 0.00002; gnomAD exomes 0.00005; gnomAD 0.00007.
gnomAD v4.1: 83 of 1,603,514 alleles (0.0052%); highest among the groups gnomAD compares: Non-Finnish European, 0.0067%; no homozygotes.

Submissions (2):

Labcorp Genetics (formerly Invitae), Labcorp
Classification: Likely benign. Last evaluated: 2022-06-20. Review status: criteria provided, single submitter. Criteria: Invitae Variant Classification Sherloc (09022015). Collection method: clinical testing. Allele origin: germline.

PreventionGenetics, part of Exact Sciences
Classification: Likely benign for B4GALT1-related condition. Last evaluated: 2019-05-10. Review status: no assertion criteria provided. Collection method: clinical testing. Allele origin: germline. Not counted in ClinVar's aggregate classification.
Comment: This variant is classified as likely benign based on ACMG/AMP sequence variant interpretation guidelines (Richards et al. 2015 PMID: 25741868, with internal and published modifications).